The following is an entry in ClinVar:

NM_000168.6(GLI3):c.2610C>A (p.Cys870Ter)

Gene: GLI3 (GLI family zinc finger 3; minus strand). Cytogenetic location: 7p14.1.
Variant type: single nucleotide variant.
Coding change: c.2610C>A on transcript NM_000168.6 (MANE Select); coding-DNA position 2610, C replaced by A.
Protein change: p.Cys870Ter; replaces cysteine 870 with a stop codon.
Molecular consequence: nonsense.
Genome position (GRCh38, 1-based): chr7:41,966,463, G>T on the plus strand (C>A on the coding strand, the complement: GLI3 is on the minus strand). VCF-style: chr7-41966463-G-T. GRCh37 (hg19) VCF-style: chr7-42006061-G-T.
Other names: short protein forms C870*.
Identifiers: ClinVar variation 2631639 (VCV002631639.1), dbSNP rs1382875512, ClinGen allele CA367320720.

ClinVar aggregate classification (germline): Likely pathogenic (1 of 4 stars; one submission).

Conditions:
GLI3-related disorder. Also called: GLI3-related condition; GLI3-related disorders. Identifiers: MedGen CN239292.

Submission:

PreventionGenetics, part of Exact Sciences
Classification: Likely pathogenic for GLI3-related condition. Last evaluated: 2023-08-01. Review status: criteria provided, single submitter. Criteria: ACMG Guidelines, 2015. Collection method: clinical testing. Allele origin: germline.
Comment: The GLI3 c.2610C>A variant is predicted to result in premature protein termination (p.Cys870*). To our knowledge, this variant has not been reported in the literature or in a large population database, indicating this variant is rare. Nonsense variants in GLI3 are expected to be pathogenic. This variant is interpreted as likely pathogenic.